The following is an entry in ClinVar:

ClinVar aggregate classification (germline): Uncertain significance (1 of 4 stars; one submission).

Submission:

Labcorp Genetics (formerly Invitae), Labcorp
Classification: Uncertain significance. Last evaluated: 2025-12-01. Review status: criteria provided, single submitter. Criteria: Invitae Variant Classification Sherloc (09022015). Collection method: clinical testing. Allele origin: germline.
Comment: This sequence change creates a premature translational stop signal (p.Asp3140Glufs*21) in the HMCN1 gene. It is expected to result in an absent or disrupted protein product. However, the current clinical and genetic evidence is not sufficient to establish whether loss-of-function variants in HMCN1 cause disease. This variant is not present in population databases (gnomAD no frequency). This variant has not been reported in the literature in individuals affected with HMCN1-related conditions. In summary, the available evidence is currently insufficient to determine the role of this variant in disease. Therefore, it has been classified as a Variant of Uncertain Significance.

NM_031935.3(HMCN1):c.9420del (p.Asp3140fs)

Gene: HMCN1 (hemicentin 1; plus strand). Cytogenetic location: 1q31.1.
Variant type: Deletion.
Coding change: c.9420del on transcript NM_031935.3 (MANE Select); coding-DNA position 9420, one base deleted (T; older notation c.9420delT).
Protein change: p.Asp3140fs; shifts the reading frame from aspartic acid 3140.
Molecular consequence: frameshift variant.
Genome position (GRCh38, 1-based): chr1:186,087,988, T deleted. VCF-style (leftmost placement, unchanged base first): chr1-186087987-AT-A. GRCh37 (hg19) VCF-style: chr1-186057119-AT-A.
Other names: short protein forms D3140fs.
Identifiers: ClinVar variation 4807673 (VCV004807673.1).
Genomic context (GRCh38, chr1:186,087,987, plus strand): 5'-TTTAGGTATCTGACACAGGCCAGTATGTATGTAGAGCTATAAATGTAGCAGGACGGGATG[AT>A]AAAAATTTCCACCTCAATGTATATGGTGAGCATTTGCCTCTAATACAACTCTTTTTCCCC-3'